The following is an entry in ClinVar:

NM_001042492.3(NF1):c.2613T>A (p.Ser871Arg)

Gene: NF1 (neurofibromin 1; plus strand). Cytogenetic location: 17q11.2.
Variant type: single nucleotide variant.
Coding change: c.2613T>A on transcript NM_001042492.3 (MANE Select); coding-DNA position 2613, T replaced by A.
Protein change: p.Ser871Arg; replaces serine 871 with arginine.
Molecular consequence: missense variant.
Genome position (GRCh38, 1-based): chr17:31,229,228, T>A. VCF-style: chr17-31229228-T-A. GRCh37 (hg19) VCF-style: chr17-29556246-T-A.
Other names: c.2613T>A, p.Ser871Arg (NM_000267.4); short protein forms S871R.
Identifiers: ClinVar variation 3879012 (VCV003879012.1).

ClinVar aggregate classification (germline): Uncertain significance (1 of 4 stars; one submission).

Conditions:
Cardiovascular phenotype. Identifiers: MedGen CN230736.
Hereditary cancer-predisposing syndrome. Also called: Tumor predisposition; Neoplastic Syndromes, Hereditary; Hereditary Cancer Syndrome; Hereditary neoplastic syndrome. Identifiers: Orphanet 140162, MedGen C0027672, MeSH D009386, MONDO:0015356.

Submission:

Ambry Genetics
Classification: Uncertain significance for Cardiovascular phenotype; Hereditary cancer-predisposing syndrome. Last evaluated: 2024-12-20. Review status: criteria provided, single submitter. Criteria: Ambry Variant Classification Scheme 2023. Collection method: clinical testing. Allele origin: germline.
Comment: The p.S871R variant (also known as c.2613T>A), located in coding exon 21 of the NF1 gene, results from a T to A substitution at nucleotide position 2613. The serine at codon 871 is replaced by arginine, an amino acid with dissimilar properties. This amino acid position is conserved. In addition, this alteration is predicted to be tolerated by in silico analysis. Based on the available evidence, the clinical significance of this variant remains unclear.